The following is an entry in ClinVar:

NM_000179.3(MSH6):c.1895A>C (p.Lys632Thr)

Gene: MSH6 (mutS homolog 6; plus strand). Cytogenetic location: 2p16.3.
Variant type: single nucleotide variant.
Coding change: c.1895A>C on transcript NM_000179.3 (MANE Select); coding-DNA position 1895, A replaced by C.
Protein change: p.Lys632Thr; replaces lysine 632 with threonine.
Molecular consequence: missense variant.
Genome position (GRCh38, 1-based): chr2:47,799,878, A>C. VCF-style: chr2-47799878-A-C. GRCh37 (hg19) VCF-style: chr2-48027017-A-C.
Other names: c.1505A>C, p.Lys502Thr (NM_001281492.2); c.989A>C, p.Lys330Thr (NM_001281493.2, NM_001281494.2); short protein forms K632T, K330T, K502T.
Identifiers: ClinVar variation 924817 (VCV000924817.11), dbSNP rs750800736, ClinGen allele CA46709839.

ClinVar aggregate classification (germline): Uncertain significance. Review status: criteria provided, multiple submitters, no conflicts (2 of 4 stars). 4 submissions from 4 submitters: Uncertain significance (4). Last evaluated 2025-02-14.

Conditions:
Hereditary cancer-predisposing syndrome. Also called: Neoplastic Syndromes, Hereditary; Tumor predisposition; Hereditary Cancer Syndrome; Hereditary neoplastic syndrome. Identifiers: Orphanet 140162, MedGen C0027672, MeSH D009386, MONDO:0015356.
Hereditary nonpolyposis colorectal neoplasms. Identifiers: MedGen C0009405, MeSH D003123.
Lynch syndrome. Identifiers: Orphanet 144, MedGen C4552100, MONDO:0005835. Disease mechanism: loss of function.

Allele frequency attached by ClinVar (database versions not stated): gnomAD exomes below 0.00001.
gnomAD v4.1: 1 of 1,614,182 alleles (0.000062%); highest among the groups gnomAD compares: Non-Finnish European, 0.000085%; no homozygotes.

Submissions (4):

Ambry Genetics
Classification: Uncertain significance for Hereditary cancer-predisposing syndrome. Last evaluated: 2025-02-14. Review status: criteria provided, single submitter. Criteria: Ambry Variant Classification Scheme 2023. Collection method: clinical testing. Allele origin: germline.
Comment: The p.K632T variant (also known as c.1895A>C), located in coding exon 4 of the MSH6 gene, results from an A to C substitution at nucleotide position 1895. The lysine at codon 632 is replaced by threonine, an amino acid with similar properties. This amino acid position is highly conserved in available vertebrate species. In addition, this alteration is predicted to be deleterious by in silico analysis. Based on the available evidence, the clinical significance of this variant remains unclear.

Color Diagnostics, LLC DBA Color Health
Classification: Uncertain significance for Hereditary cancer-predisposing syndrome. Last evaluated: 2024-03-06. Review status: criteria provided, single submitter. Criteria: ACMG Guidelines, 2015. Collection method: clinical testing. Allele origin: germline.
Comment: This missense variant replaces lysine with threonine at codon 632 of the MSH6 protein. Computational prediction suggests that this variant may have deleterious impact on protein structure and function (internally defined REVEL score threshold >= 0.7, PMID: 27666373). To our knowledge, functional studies have not been reported for this variant. This variant has not been reported in individuals affected with hereditary cancer in the literature. This variant has not been identified in the general population by the Genome Aggregation Database (gnomAD). The available evidence is insufficient to determine the role of this variant in disease conclusively. Therefore, this variant is classified as a Variant of Uncertain Significance.

Labcorp Genetics (formerly Invitae), Labcorp
Classification: Uncertain significance for Hereditary nonpolyposis colorectal neoplasms. Last evaluated: 2024-02-16. Review status: criteria provided, single submitter. Criteria: Invitae Variant Classification Sherloc (09022015). Collection method: clinical testing. Allele origin: germline.
Comment: This sequence change replaces lysine, which is basic and polar, with threonine, which is neutral and polar, at codon 632 of the MSH6 protein (p.Lys632Thr). This variant is not present in population databases (gnomAD no frequency). This variant has not been reported in the literature in individuals affected with MSH6-related conditions. ClinVar contains an entry for this variant (Variation ID: 924817). Advanced modeling of protein sequence and biophysical properties (such as structural, functional, and spatial information, amino acid conservation, physicochemical variation, residue mobility, and thermodynamic stability) performed at Invitae indicates that this missense variant is not expected to disrupt MSH6 protein function with a negative predictive value of 95%. In summary, the available evidence is currently insufficient to determine the role of this variant in disease. Therefore, it has been classified as a Variant of Uncertain Significance.

All of Us Research Program, National Institutes of Health
Classification: Uncertain significance for Lynch syndrome. Last evaluated: 2023-11-30. Review status: criteria provided, single submitter. Criteria: ACMG Guidelines, 2015. Collection method: clinical testing. Allele origin: germline. Inheritance: Autosomal dominant inheritance. Observed: 1 variant allele, 1 heterozygote.
Comment: This missense variant replaces lysine with threonine at codon 632 of the MSH6 protein. Computational prediction suggests that this variant may have deleterious impact on protein structure and function (internally defined REVEL score threshold >= 0.7, PMID: 27666373). To our knowledge, functional studies have not been reported for this variant. This variant has not been reported in individuals affected with hereditary cancer in the literature. This variant has not been identified in the general population by the Genome Aggregation Database (gnomAD). The available evidence is insufficient to determine the role of this variant in disease conclusively. Therefore, this variant is classified as a Variant of Uncertain Significance.

This study involves interpretation of variants in research participants for the purpose of population health screening. Participant phenotype was not available at the time of variant classification. Additional details can be found in publication PMID: 35346344, PMCID: PMC8962531